The following is an entry in ClinVar:

ClinVar aggregate classification (germline): Uncertain significance (1 of 4 stars; one submission).

Allele frequency attached by ClinVar (database versions not stated): gnomAD exomes below 0.00001; gnomAD 0.00001.
gnomAD v4.1: 8 of 1,614,170 alleles (0.0005%); highest among the groups gnomAD compares: South Asian, 0.0011%; no homozygotes.

Submission:

Labcorp Genetics (formerly Invitae), Labcorp
Classification: Uncertain significance. Last evaluated: 2022-07-05. Review status: criteria provided, single submitter. Criteria: Invitae Variant Classification Sherloc (09022015). Collection method: clinical testing. Allele origin: germline.
Comment: In summary, the available evidence is currently insufficient to determine the role of this variant in disease. Therefore, it has been classified as a Variant of Uncertain Significance. Algorithms developed to predict the effect of missense changes on protein structure and function are either unavailable or do not agree on the potential impact of this missense change (SIFT: "Deleterious"; PolyPhen-2: "Possibly Damaging"; Align-GVGD: "Class C0"). ClinVar contains an entry for this variant (Variation ID: 1507243). This variant has not been reported in the literature in individuals affected with ATP2B4-related conditions. This variant is not present in population databases (gnomAD no frequency). This sequence change replaces glutamic acid, which is acidic and polar, with lysine, which is basic and polar, at codon 536 of the ATP2B4 protein (p.Glu536Lys).

NM_001684.5(ATP2B4):c.1606G>A (p.Glu536Lys)

Gene: ATP2B4 (ATPase plasma membrane Ca2+ transporting 4; plus strand). Cytogenetic location: 1q32.1.
Variant type: single nucleotide variant.
Coding change: c.1606G>A on transcript NM_001684.5 (MANE Select); coding-DNA position 1606, G replaced by A.
Protein change: p.Glu536Lys; replaces glutamic acid 536 with lysine.
Molecular consequence: missense variant.
Genome position (GRCh38, 1-based): chr1:203,709,349, G>A. VCF-style: chr1-203709349-G-A. GRCh37 (hg19) VCF-style: chr1-203678477-G-A.
Other names: c.1606G>A, p.Glu536Lys (NM_001001396.3, NM_001365783.2, NM_001365784.2); short protein forms E536K.
Identifiers: ClinVar variation 1507243 (VCV001507243.8), dbSNP rs2102398326, ClinGen allele CA344314881.